The following is an entry in ClinVar:

NM_001035.3(RYR2):c.1375C>G (p.Leu459Val)

Gene: RYR2 (ryanodine receptor 2; plus strand). Cytogenetic location: 1q43.
Variant type: single nucleotide variant.
Coding change: c.1375C>G on transcript NM_001035.3 (MANE Select); coding-DNA position 1375, C replaced by G.
Protein change: p.Leu459Val; replaces leucine 459 with valine.
Molecular consequence: missense variant.
Genome position (GRCh38, 1-based): chr1:237,454,473, C>G. VCF-style: chr1-237454473-C-G. GRCh37 (hg19) VCF-style: chr1-237617773-C-G.
Other names: short protein forms L459V.
Identifiers: ClinVar variation 947925 (VCV000947925.11), dbSNP rs1658563996, ClinGen allele CA345380319.

ClinVar aggregate classification (germline): Uncertain significance (1 of 4 stars; one submission).

Conditions:
Catecholaminergic polymorphic ventricular tachycardia 1. Also called: VENTRICULAR TACHYCARDIA, CATECHOLAMINERGIC POLYMORPHIC, 1, WITH OR WITHOUT ATRIAL DYSFUNCTION AND/OR DILATED CARDIOMYOPATHY; VENTRICULAR TACHYCARDIA, STRESS-INDUCED POLYMORPHIC 1; RYR2-Related Catecholaminergic Polymorphic Ventricular Tachycardia. Identifiers: Orphanet 3286, MedGen C1631597, MONDO:0011484, OMIM 604772.

Submission:

Labcorp Genetics (formerly Invitae), Labcorp
Classification: Uncertain significance for Catecholaminergic polymorphic ventricular tachycardia 1. Last evaluated: 2019-08-09. Review status: criteria provided, single submitter. Criteria: Invitae Variant Classification Sherloc (09022015). Collection method: clinical testing. Allele origin: germline.
Comment: In summary, the available evidence is currently insufficient to determine the role of this variant in disease. Therefore, it has been classified as a Variant of Uncertain Significance. Algorithms developed to predict the effect of missense changes on protein structure and function are either unavailable or do not agree on the potential impact of this missense change (SIFT: "Deleterious"; PolyPhen-2: "Benign"; Align-GVGD: "Class C0"). This variant is not present in population databases (ExAC no frequency). This sequence change replaces leucine with valine at codon 459 of the RYR2 protein (p.Leu459Val). The leucine residue is highly conserved and there is a small physicochemical difference between leucine and valine.